The following is an entry in ClinVar:

ClinVar aggregate classification (germline): Uncertain significance (1 of 4 stars; one submission).

Conditions:
Sulfite oxidase deficiency. Also called: Isolated sulfite oxidase deficiency. Identifiers: Orphanet 833, Orphanet 99731, MedGen C0268624, MONDO:0010089, OMIM 272300, HP:0003643.

Submission:

Labcorp Genetics (formerly Invitae), Labcorp
Classification: Uncertain significance for Sulfite oxidase deficiency. Last evaluated: 2022-10-07. Review status: criteria provided, single submitter. Criteria: Invitae Variant Classification Sherloc (09022015). Collection method: clinical testing. Allele origin: germline.
Comment: In summary, the available evidence is currently insufficient to determine the role of this variant in disease. Therefore, it has been classified as a Variant of Uncertain Significance. Advanced modeling of protein sequence and biophysical properties (such as structural, functional, and spatial information, amino acid conservation, physicochemical variation, residue mobility, and thermodynamic stability) performed at Invitae indicates that this missense variant is expected to disrupt SUOX protein function. This variant has not been reported in the literature in individuals affected with SUOX-related conditions. This variant is not present in population databases (gnomAD no frequency). This sequence change replaces threonine, which is neutral and polar, with alanine, which is neutral and non-polar, at codon 290 of the SUOX protein (p.Thr290Ala).

NM_001032386.2(SUOX):c.868A>G (p.Thr290Ala)

Gene: SUOX (sulfite oxidase; plus strand). Cytogenetic location: 12q13.2.
Variant type: single nucleotide variant.
Coding change: c.868A>G on transcript NM_001032386.2 (MANE Select); coding-DNA position 868, A replaced by G.
Protein change: p.Thr290Ala; replaces threonine 290 with alanine.
Molecular consequence: missense variant.
Genome position (GRCh38, 1-based): chr12:56,004,257, A>G. VCF-style: chr12-56004257-A-G. GRCh37 (hg19) VCF-style: chr12-56398041-A-G.
Other names: c.868A>G, p.Thr290Ala (NM_000456.3, NM_001032387.2); short protein forms T290A.
Identifiers: ClinVar variation 1721138 (VCV001721138.6), dbSNP rs1565798985, ClinGen allele CA385288796.